The following is an entry in ClinVar:

NM_005045.4(RELN):c.10248T>A (p.Asp3416Glu)

Genes: RELN (reelin; minus strand), SLC26A5-AS1 (SLC26A5 antisense RNA 1; plus strand). Cytogenetic location: 7q22.1.
Variant type: single nucleotide variant.
Coding change: c.10248T>A on transcript NM_005045.4 (MANE Select); coding-DNA position 10248, T replaced by A.
Protein change: p.Asp3416Glu; replaces aspartic acid 3416 with glutamic acid.
Molecular consequence: missense variant.
Genome position (GRCh38, 1-based): chr7:103,482,905, A>T on the plus strand (T>A on the coding strand, the complement: RELN is on the minus strand). VCF-style: chr7-103482905-A-T. GRCh37 (hg19) VCF-style: chr7-103123352-A-T.
Other names: c.10248T>A, p.Asp3416Glu (NM_173054.3); short protein forms D3416E.
Identifiers: ClinVar variation 1042752 (VCV001042752.8), dbSNP rs1828293057, ClinGen allele CA368737451.
Genomic context (GRCh38, chr7:103,482,905, plus strand): 5'-CATGGGATGCCATGTAATAGATACTCACAGGACGACCTCCACATGGTCCAAAGCCCATTG[A>T]TCATGACCTGTTCCATTGTGGCGTGGTTGCCACCAGCGCAGTAAGACTCCTTTCATCCGT-3'
Protein context (NP_005036.2, residues 3406-3426): WQPRHNGTGH[Asp3416Glu]QWALDHVEVV

ClinVar aggregate classification (germline): Uncertain significance (1 of 4 stars; one submission).

Conditions:
Norman-Roberts syndrome (LIS2). Also called: Lissencephaly 2 (Norman-Roberts type). Identifiers: Orphanet 89844, MedGen C0796089, MONDO:0009760, OMIM 257320.
Familial temporal lobe epilepsy 7. Identifiers: Orphanet 101046, MedGen C4225327, MONDO:0014639, OMIM 616436.

Submission:

Labcorp Genetics (formerly Invitae), Labcorp
Classification: Uncertain significance for Familial temporal lobe epilepsy 7; Norman-Roberts syndrome. Last evaluated: 2025-06-15. Review status: criteria provided, single submitter. Criteria: Invitae Variant Classification Sherloc (09022015). Collection method: clinical testing. Allele origin: germline.
Comment: This sequence change replaces aspartic acid, which is acidic and polar, with glutamic acid, which is acidic and polar, at codon 3416 of the RELN protein (p.Asp3416Glu). This variant is not present in population databases (gnomAD no frequency). This variant has not been reported in the literature in individuals affected with RELN-related conditions. ClinVar contains an entry for this variant (Variation ID: 1042752). Invitae Evidence Modeling of protein sequence and biophysical properties (such as structural, functional, and spatial information, amino acid conservation, physicochemical variation, residue mobility, and thermodynamic stability) indicates that this missense variant is not expected to disrupt RELN protein function with a negative predictive value of 80%. In summary, the available evidence is currently insufficient to determine the role of this variant in disease. Therefore, it has been classified as a Variant of Uncertain Significance.